The following is an entry in ClinVar:

ClinVar aggregate classification (germline): Uncertain significance. Review status: criteria provided, multiple submitters, no conflicts (2 of 4 stars). 3 submissions from 3 submitters: Uncertain significance (3). Last evaluated 2024-02-01.

Conditions:
Hyperuricemia, pulmonary hypertension, renal failure, alkalosis syndrome (HUPRAS). Also called: HYPERURICEMIA, PULMONARY HYPERTENSION, RENAL FAILURE, AND ALKALOSIS SYNDROME; HUPRA SYNDROME. Identifiers: Orphanet 363694, MedGen C3151209, MONDO:0013458, OMIM 613845.

Allele frequency attached by ClinVar (database versions not stated): ExAC 0.00005; gnomAD 0.00008 and 0.00009.
gnomAD v4.1: 182 of 1,603,676 alleles (0.011%); highest among the groups gnomAD compares: African/African-American, 0.023%; no homozygotes.

Submissions (3):

Fulgent Genetics
Classification: Uncertain significance for Hyperuricemia, pulmonary hypertension, renal failure, alkalosis syndrome. Last evaluated: 2024-02-01. Review status: criteria provided, single submitter. Criteria: ACMG Guidelines, 2015. Collection method: clinical testing. Allele origin: germline.

GeneDx
Classification: Uncertain significance. Last evaluated: 2021-08-15. Review status: criteria provided, single submitter. Criteria: GeneDx Variant Classification Process June 2021. Collection method: clinical testing. Allele origin: germline. Affected: yes.
Comment: In silico analysis supports that this missense variant has a deleterious effect on protein structure/function; Has not been previously published as pathogenic or benign to our knowledge

Revvity Omics, Revvity
Classification: Uncertain significance for Hyperuricemia, pulmonary hypertension, renal failure, alkalosis syndrome. Last evaluated: 2019-12-12. Review status: criteria provided, single submitter. Criteria: ACMG Guidelines, 2015. Collection method: clinical testing. Allele origin: germline.

NM_017827.4(SARS2):c.988C>T (p.Arg330Trp)

Gene: SARS2 (seryl-tRNA synthetase 2, mitochondrial; minus strand). Cytogenetic location: 19q13.2.
Variant type: single nucleotide variant.
Coding change: c.988C>T on transcript NM_017827.4 (MANE Select); coding-DNA position 988, C replaced by T.
Protein change: p.Arg330Trp; replaces arginine 330 with tryptophan.
Molecular consequence: missense variant.
Genome position (GRCh38, 1-based): chr19:38,917,983, G>A on the plus strand (C>T on the coding strand, the complement: SARS2 is on the minus strand). VCF-style: chr19-38917983-G-A. GRCh37 (hg19) VCF-style: chr19-39408623-G-A.
Other names: c.994C>T, p.Arg332Trp (NM_001145901.2); short protein forms R330W, R332W.
Identifiers: ClinVar variation 1196852 (VCV001196852.6), dbSNP rs781367675, ClinGen allele CA9422920.